The following is an entry in ClinVar:

ClinVar aggregate classification (germline): Uncertain significance (1 of 4 stars; one submission).

Submission:

Dasa
Classification: Uncertain significance. Last evaluated: 2025-10-11. Review status: criteria provided, single submitter. Criteria: DASA Assertion Criteria. Collection method: clinical testing. Allele origin: germline.
Comment: NM_138576.4(BCL11B):c.508C>T (p.Pro170Ser) is a missense variant that results in the substitution of proline with serine. This variant is absent from population databases. The currently available literature and clinical evidence are not sufficient to establish a definitive association between this variant and the reported condition. Therefore, this variant is classified as a variant of uncertain significance.

NM_138576.4(BCL11B):c.508C>T (p.Pro170Ser)

Gene: BCL11B (BCL11 transcription factor B; minus strand). Cytogenetic location: 14q32.2.
Variant type: single nucleotide variant.
Coding change: c.508C>T on transcript NM_138576.4 (MANE Select); coding-DNA position 508, C replaced by T.
Protein change: p.Pro170Ser; replaces proline 170 with serine.
Molecular consequence: missense variant. On other transcripts: intron variant (2).
Genome position (GRCh38, 1-based): chr14:99,231,477, G>A on the plus strand (C>T on the coding strand, the complement: BCL11B is on the minus strand). VCF-style: chr14-99231477-G-A. GRCh37 (hg19) VCF-style: chr14-99697814-G-A.
Other names: c.505C>T, p.Pro169Ser (NM_001282237.2); c.424+25994C>T (NM_001282238.2); c.427+25994C>T (NM_022898.3); short protein forms P169S, P170S.
Identifiers: ClinVar variation 5020834 (VCV005020834.1).
Genomic context (GRCh38, chr14:99,231,477, plus strand): 5'-GGCGCGCGCTGCAGCACGGCAGGGGGAGGCAGGGCGGGAGAGCGCCCAGGGCACGCAGAG[G>A]TGAAGTGATCACGGATGAGTGAGGGTGGGAGGAGGCAGCTATGGGGGCCACCGCTGGCAG-3'
Protein context (NP_612808.1, residues 160-180): SHPHSSVITS[Pro170Ser]LRALGALPPC